The following is an entry in ClinVar:

NM_001370752.1(BTD):c.1016-11372G>C

Genes: ANKRD28 (ankyrin repeat domain 28; minus strand), BTD (biotinidase; plus strand). Cytogenetic location: 3p25.1.
Variant type: single nucleotide variant.
Coding change: c.1016-11372G>C on transcript NM_001370752.1; 11372 bases into the intron before coding-DNA position 1016, G replaced by C.
Molecular consequence: intron variant. On other transcripts: splice acceptor variant (1).
Genome position (GRCh38, 1-based): chr3:15,710,398, G>C. VCF-style: chr3-15710398-G-C. GRCh37 (hg19) VCF-style: chr3-15751905-G-C.
Other names: c.1016-11372G>C (NM_001407379.1); c.400-1G>C (NM_001370753.1); c.1248-662C>G (NM_015199.4); c.1239-662C>G (NM_001349279.2); c.1080-662C>G (NM_001349280.1, NM_001349281.2, NM_001349282.2); c.786-662C>G (NM_001195098.1, NM_001349283.2, NM_001195099.2); c.1338-662C>G (NM_001349278.2); c.1347-662C>G (NM_001349277.2).
Identifiers: ClinVar variation 4822164 (VCV004822164.4).
Genomic context (GRCh38, chr3:15,710,398, plus strand): 5'-CAATGAAAACTGTAACTGTCAAGTGATCAGACACTCAAGTCTGTTGTCCCTCTCTCTGTA[G>C]GCAAGTTACGTGGAAGTTAGGTTTTAACTGGAAGGTTCTCTGGCGACCTTGGAAGAACAA-3'

ClinVar aggregate classification (germline): Benign (1 of 4 stars; one submission).

gnomAD v4.1: 548 of 152,236 alleles (0.36%); highest among the groups gnomAD compares: African/African-American, 1.3%; 7 homozygotes.

Submission:

CeGaT Center for Human Genetics Tuebingen
Classification: Benign. Last evaluated: 2026-09-01. Review status: criteria provided, single submitter. Criteria: CeGaT Center For Human Genetics Tuebingen Variant Classification Criteria Version 2. Collection method: clinical testing. Allele origin: germline. Affected: yes. Observed: 5 variant alleles.
Comment: BTD: BS1, BS2